The following is an entry in ClinVar:

ClinVar aggregate classification (germline): Pathogenic. Review status: criteria provided, multiple submitters, no conflicts (2 of 4 stars). 6 submissions from 6 submitters: Pathogenic (6). Last evaluated 2025-08-25.

Conditions:
Hereditary cancer-predisposing syndrome. Also called: Neoplastic Syndromes, Hereditary; Tumor predisposition; Hereditary Cancer Syndrome; Hereditary neoplastic syndrome. Identifiers: Orphanet 140162, MedGen C0027672, MeSH D009386, MONDO:0015356.
Familial cancer of breast. Also called: BREAST CANCER, FAMILIAL; Hereditary breast cancer; hereditary breast carcinoma. Identifiers: Orphanet 227535, MedGen C0346153, MONDO:0016419, OMIM 114480. Disease mechanism: loss of function.

Allele frequency attached by ClinVar (database versions not stated): gnomAD exomes below 0.00001; ExAC 0.00001.

Submissions (6):

Color Diagnostics, LLC DBA Color Health
Classification: Pathogenic for Hereditary cancer-predisposing syndrome. Last evaluated: 2025-08-25. Review status: criteria provided, single submitter. Criteria: ACMG Guidelines, 2015. Collection method: clinical testing. Allele origin: germline.
Comment: This variant changes 1 nucleotide in exon 4 of the BARD1 gene, creating a premature translation stop signal. This variant is expected to result in an absent or non-functional protein product. This variant has been reported in at least one individual who underwent multi-gene panel testing (PMID: 28152038). This variant has been identified in 1/213472 chromosomes in the general population by the Genome Aggregation Database (gnomAD). Loss of BARD1 function is a known mechanism of disease. Based on the available evidence, this variant is classified as Pathogenic.

Labcorp Genetics (formerly Invitae), Labcorp
Classification: Pathogenic for Familial cancer of breast. Last evaluated: 2025-05-27. Review status: criteria provided, single submitter. Criteria: Invitae Variant Classification Sherloc (09022015). Collection method: clinical testing. Allele origin: germline.
Comment: This sequence change creates a premature translational stop signal (p.Gln245*) in the BARD1 gene. It is expected to result in an absent or disrupted protein product. Loss-of-function variants in BARD1 are known to be pathogenic (PMID: 20077502, 21344236). This variant is present in population databases (rs587781430, gnomAD 0.001%). This variant has not been reported in the literature in individuals affected with BARD1-related conditions. ClinVar contains an entry for this variant (Variation ID: 141005). For these reasons, this variant has been classified as Pathogenic.

Baylor Genetics
Classification: Pathogenic for Familial cancer of breast. Last evaluated: 2024-03-04. Review status: criteria provided, single submitter. Criteria: ACMG Guidelines, 2015. Collection method: clinical testing. Allele origin: unknown.

Myriad Genetics, Inc.
Classification: Pathogenic for Familial cancer of breast. Last evaluated: 2023-05-19. Review status: criteria provided, single submitter. Criteria: Myriad Autosomal Dominant, Autosomal Recessive and X-Linked Classification Criteria (2023). Collection method: clinical testing. Allele origin: unknown.
Comment: This variant is considered pathogenic. This variant creates a termination codon and is predicted to result in premature protein truncation.

Ambry Genetics
Classification: Pathogenic for Hereditary cancer-predisposing syndrome. Last evaluated: 2023-02-15. Review status: criteria provided, single submitter. Criteria: Ambry Variant Classification Scheme 2023. Collection method: clinical testing. Allele origin: germline.
Comment: The p.Q245* pathogenic mutation (also known as c.733C>T), located in coding exon 4 of the BARD1 gene, results from a C to T substitution at nucleotide position 733. This changes the amino acid from a glutamine to a stop codon within coding exon 4. This alteration is expected to result in loss of function by premature protein truncation or nonsense-mediated mRNA decay. As such, this alteration is interpreted as a disease-causing mutation.

GeneDx
Classification: Pathogenic. Last evaluated: 2018-03-27. Review status: criteria provided, single submitter. Criteria: GeneDx Variant Classification (06012015). Collection method: clinical testing. Allele origin: germline. Affected: yes.
Comment: This variant is denoted BARD1 c.733C>T at the cDNA level and p.Gln245Ter (Q245X) at the protein level. The substitution creates a nonsense variant, which changes a Glutamine to a premature stop codon (CAA>TAA), and is predicted to cause loss of normal protein function through either protein truncation or nonsense-mediated mRNA decay. BARD1 Gln245Ter has been observed in at least one individual undergoing multi-gene panel testing at a clinical laboratory (LaDuca 2017). We consider this variant to be pathogenic.

Literature cited by the submitters: PubMed 28152038 (cited by Color Diagnostics, LLC DBA Color Health); PubMed 20077502 (cited by Labcorp Genetics (formerly Invitae), Labcorp); PubMed 21344236 (cited by Labcorp Genetics (formerly Invitae), Labcorp).

NM_000465.4(BARD1):c.733C>T (p.Gln245Ter)

Gene: BARD1 (BRCA1 associated RING domain 1; minus strand). Cytogenetic location: 2q35.
Variant type: single nucleotide variant.
Coding change: c.733C>T on transcript NM_000465.4 (MANE Select); coding-DNA position 733, C replaced by T.
Protein change: p.Gln245Ter; replaces glutamine 245 with a stop codon.
Molecular consequence: nonsense. On other transcripts: non-coding transcript variant (2), intron variant (3).
Genome position (GRCh38, 1-based): chr2:214,781,141, G>A on the plus strand (C>T on the coding strand, the complement: BARD1 is on the minus strand). VCF-style: chr2-214781141-G-A. GRCh37 (hg19) VCF-style: chr2-215645865-G-A.
Other names: c.676C>T, p.Gln226Ter (NM_001282543.2); c.158+28271C>T (NM_001282548.2); c.215+15920C>T (NM_001282545.2); c.364+11156C>T (NM_001282549.2); short protein forms Q245*, Q226*.
Identifiers: ClinVar variation 141005 (VCV000141005.21), dbSNP rs587781430, ClinGen allele CA164190.